The following is an entry in ClinVar:

ClinVar aggregate classification (germline): Pathogenic/Likely pathogenic. Review status: criteria provided, multiple submitters, no conflicts (2 of 4 stars). 5 submissions from 5 submitters: Pathogenic (1); Likely pathogenic (3). 1 of the submissions does not count toward it. Last evaluated 2024-11-04.

Conditions:
TSC2-related disorder. Also called: TSC2-Related Disorders; TSC2-related condition.
Tuberous sclerosis 2 (TSC2). Identifiers: Orphanet 805, MedGen C1860707, MONDO:0013199, OMIM 613254.

Submissions (5):

Blueprint Genetics
Classification: Likely pathogenic for TSC2-related disorders. Last evaluated: 2024-11-04. Review status: criteria provided, single submitter. Criteria: ACMG Guidelines, 2015. Collection method: clinical testing. Allele origin: germline. Affected: yes. Observed: 5 variant alleles.

Labcorp Genetics (formerly Invitae), Labcorp
Classification: Likely pathogenic for Tuberous sclerosis 2. Last evaluated: 2024-10-30. Review status: criteria provided, single submitter. Criteria: Invitae Variant Classification Sherloc (09022015). Collection method: clinical testing. Allele origin: germline.
Comment: This sequence change creates a premature translational stop signal (p.Tyr1250Glnfs*71) in the TSC2 gene. It is expected to result in an absent or disrupted protein product. Loss-of-function variants in TSC2 are known to be pathogenic (PMID: 10205261, 17304050). This variant is not present in population databases (gnomAD no frequency). This variant has not been reported in the literature in individuals affected with TSC2-related conditions. ClinVar contains an entry for this variant (Variation ID: 448728). In summary, the currently available evidence indicates that the variant is pathogenic, but additional data are needed to prove that conclusively. Therefore, this variant has been classified as Likely Pathogenic.

Genome-Nilou Lab
Classification: Likely pathogenic for Tuberous sclerosis 2. Last evaluated: 2021-11-07. Review status: criteria provided, single submitter. Criteria: ACMG Guidelines, 2015. Collection method: clinical testing. Allele origin: germline. Affected: no.

Athena Diagnostics
Classification: Pathogenic. Last evaluated: 2017-06-26. Review status: criteria provided, single submitter. Criteria: Athena Diagnostics Criteria. Collection method: clinical testing. Allele origin: germline.

PreventionGenetics, part of Exact Sciences
Classification: Pathogenic for TSC2-related condition. Last evaluated: 2024-03-20. Review status: no assertion criteria provided. Collection method: clinical testing. Allele origin: germline. Not counted in ClinVar's aggregate classification.
Comment: The TSC2 c.3747_3748delGT variant is predicted to result in a frameshift and premature protein termination (p.Tyr1250Glnfs*71). To our knowledge, this variant has not been reported in the literature or in a large population database, indicating this variant is rare. It is interpreted as likely pathogenic and pathogenic in ClinVar. Frameshift variants in TSC2 are expected to be pathogenic. This variant is interpreted as pathogenic.

Literature cited by the submitters: PubMed 10205261 (cited by Labcorp Genetics (formerly Invitae), Labcorp); PubMed 17304050 (cited by Labcorp Genetics (formerly Invitae), Labcorp).

NM_000548.5(TSC2):c.3747_3748del (p.Tyr1250fs)

Gene: TSC2 (TSC complex subunit 2; plus strand). Cytogenetic location: 16p13.3.
Variant type: Deletion.
Coding change: c.3747_3748del on transcript NM_000548.5 (MANE Select); coding-DNA positions 3747 to 3748, 2 bases deleted (GT; older notation c.3747_3748delGT).
Protein change: p.Tyr1250fs; shifts the reading frame from tyrosine 1250.
Molecular consequence: frameshift variant.
Genome position (GRCh38, 1-based): chr16:2,081,731-2,081,732, GT deleted; deleting any 2 consecutive bases within chr16:2,081,730-2,081,732 gives the same sequence; the c. name uses the placement nearest the transcript's 3' end. VCF-style (leftmost placement, unchanged base first): chr16-2081729-CTG-C. GRCh37 (hg19) VCF-style: chr16-2131730-CTG-C.
Other names: c.3615_3616del, p.Tyr1206fs (NM_001077183.3, NM_001370404.1); c.3747_3748del, p.Tyr1250fs (NM_001114382.3); c.3507_3508del, p.Tyr1170fs (NM_001318827.2); c.3471_3472del, p.Tyr1158fs (NM_001318829.2); c.3015_3016del, p.Tyr1006fs (NM_001318831.2); c.3648_3649del, p.Tyr1217fs (NM_001318832.2); c.3618_3619del, p.Tyr1207fs (NM_001363528.2, NM_001370405.1, NM_021055.3); c.3747_3748delGT (NM_000548.4); short protein forms Y1158fs, Y1206fs, Y1006fs, Y1207fs, Y1170fs, Y1250fs, Y1217fs.
Identifiers: ClinVar variation 448728 (VCV000448728.12), dbSNP rs1555512486, ClinGen allele CA658656510.